The following is an entry in ClinVar:

ClinVar aggregate classification (germline): Conflicting classifications of pathogenicity. Review status: criteria provided, conflicting classifications (1 of 4 stars). 4 submissions from 4 submitters: Likely pathogenic (3); Uncertain significance (1). Last evaluated 2025-09-19.

Conditions:
Neuronopathy, distal hereditary motor, autosomal recessive 7. Also called: NEUROPATHY, DISTAL HEREDITARY MOTOR, AUTOSOMAL RECESSIVE 7; NEUROPATHY, HEREDITARY MOTOR, WITH MYOPATHIC FEATURES. Identifiers: MedGen C5543119, MONDO:0030977, OMIM 619216.

Allele frequency attached by ClinVar (database versions not stated): gnomAD 0.00001; gnomAD exomes 0.00001 and 0.00003.

Submissions (4):

First Genomix Gene Laboratory, Genetic Diagnostics Department
Classification: Likely pathogenic for Neuronopathy, distal hereditary motor, autosomal recessive 7. Last evaluated: 2025-09-19. Review status: criteria provided, single submitter. Criteria: ACMG Guidelines, 2015. Collection method: clinical testing. Allele origin: germline. Inheritance: Autosomal recessive inheritance. Affected: no. Observed: 1 variant allele.

GeneDx
Classification: Uncertain significance. Last evaluated: 2025-06-20. Review status: criteria provided, single submitter. Criteria: GeneDx Variant Classification Process June 2021. Collection method: clinical testing. Allele origin: germline. Affected: yes.
Comment: Not observed at significant frequency in large population cohorts (gnomAD); Nonsense variant predicted to result in protein truncation as the last 82 amino acid(s) are lost, although loss-of-function variants have not been reported downstream of this position in the protein; Has not been previously published as pathogenic or benign to our knowledge

Fulgent Genetics
Classification: Likely pathogenic for Neuronopathy, distal hereditary motor, autosomal recessive 7. Last evaluated: 2022-04-26. Review status: criteria provided, single submitter. Criteria: ACMG Guidelines, 2015. Collection method: clinical testing. Allele origin: unknown.

CeGaT Center for Human Genetics Tuebingen
Classification: Likely pathogenic. Last evaluated: 2022-02-01. Review status: criteria provided, single submitter. Criteria: CeGaT Center For Human Genetics Tuebingen Variant Classification Criteria Version 2. Collection method: clinical testing. Allele origin: germline. Affected: yes. Observed: 1 variant allele.

NM_022834.5(VWA1):c.1088_1091dup (p.Tyr364Ter)

Gene: VWA1 (von Willebrand factor A domain containing 1; plus strand). Cytogenetic location: 1p36.33.
Variant type: Duplication.
Coding change: c.1088_1091dup on transcript NM_022834.5 (MANE Select); coding-DNA positions 1088 to 1091, 4 bases duplicated (GCTA; older notation c.1088_1091dupGCTA).
Protein change: p.Tyr364Ter; replaces tyrosine 364 with a stop codon.
Molecular consequence: nonsense. On other transcripts: 3 prime UTR variant (1).
Genome position (GRCh38, 1-based): chr1:1,439,537-1,439,540, GCTA duplicated. VCF-style (leftmost placement, unchanged base first): chr1-1439536-G-GGCTA. GRCh37 (hg19) VCF-style: chr1-1374916-G-GGCTA.
Other names: c.1088_1091dup (NM_022834.4); c.*498_*501dup (NM_199121.3); short protein forms Y364*.
Identifiers: ClinVar variation 1675331 (VCV001675331.35), dbSNP rs1557770517, ClinGen allele CA521009319.